The following is an entry in ClinVar:

NM_000535.7(PMS2):c.526A>T (p.Asn176Tyr)

Gene: PMS2 (PMS1 homolog 2, mismatch repair system component; minus strand). Cytogenetic location: 7p22.1.
Variant type: single nucleotide variant.
Coding change: c.526A>T on transcript NM_000535.7 (MANE Select); coding-DNA position 526, A replaced by T.
Protein change: p.Asn176Tyr; replaces asparagine 176 with tyrosine.
Molecular consequence: missense variant. On other transcripts: 5 prime UTR variant (2), non-coding transcript variant (1).
Genome position (GRCh38, 1-based): chr7:6,002,464, T>A on the plus strand (A>T on the coding strand, the complement: PMS2 is on the minus strand). VCF-style: chr7-6002464-T-A. GRCh37 (hg19) VCF-style: chr7-6042095-T-A.
Other names: c.121A>T, p.Asn41Tyr (NM_001018040.1, NM_001322003.2, NM_001322004.2 and 25 more transcripts); c.526A>T, p.Asn176Tyr (NM_001322006.2, NM_001322014.2, NM_001406869.1 and 8 more transcripts); c.208A>T, p.Asn70Tyr (NM_001322007.2, NM_001322008.2, NM_001406876.1 and 4 more transcripts); c.-359A>T (NM_001322011.2, NM_001322012.2); c.217A>T, p.Asn73Tyr (NM_001322015.2, NM_001406875.1, NM_001406877.1 and 6 more transcripts); c.712A>T, p.Asn238Tyr (NM_001406866.1); c.550A>T, p.Asn184Tyr (NM_001406868.1); short protein forms N176Y, N238Y, N73Y, N41Y, N70Y, N184Y.
Identifiers: ClinVar variation 1746487 (VCV001746487.2), dbSNP rs1583402212, ClinGen allele CA366744171.
Genomic context (GRCh38, chr7:6,002,464, plus strand): 5'-TCATGTGCATTAACCAATACTCTTGAAAACCAGGATTAATTTACTGTACCTTCTTAATAT[T>A]CCTTTGAAATTCCTTATGGCGCACAGGTAGTGTGGAAAATAACTGCTGCACGCTGACTGT-3'
Protein context (NP_000526.2, residues 166-186): LPVRHKEFQR[Asn176Tyr]IKKEYAKMVQ

ClinVar aggregate classification (germline): Uncertain significance (1 of 4 stars; one submission).

Conditions:
Hereditary cancer-predisposing syndrome. Also called: Hereditary Cancer Syndrome; Neoplastic Syndromes, Hereditary; Tumor predisposition; Hereditary neoplastic syndrome. Identifiers: Orphanet 140162, MedGen C0027672, MeSH D009386, MONDO:0015356.

Submission:

Ambry Genetics
Classification: Uncertain significance for Hereditary cancer-predisposing syndrome. Last evaluated: 2022-06-10. Review status: criteria provided, single submitter. Criteria: Ambry Variant Classification Scheme 2023. Collection method: clinical testing. Allele origin: germline.
Comment: The p.N176Y variant (also known as c.526A>T), located in coding exon 5 of the PMS2 gene, results from an A to T substitution at nucleotide position 526. The asparagine at codon 176 is replaced by tyrosine, an amino acid with dissimilar properties. This amino acid position is highly conserved in available vertebrate species. In addition, this alteration is predicted to be deleterious by in silico analysis. Since supporting evidence is limited at this time, the clinical significance of this alteration remains unclear.